The following is an entry in ClinVar:

ClinVar aggregate classification (germline): Uncertain significance (1 of 4 stars; one submission).

gnomAD v4.1: 2 of 1,614,002 alleles (0.00012%); highest among the groups gnomAD compares: East Asian, 0.0045%; no homozygotes.

Submission:

Athena Diagnostics
Classification: Uncertain significance. Last evaluated: 2023-07-25. Review status: criteria provided, single submitter. Criteria: Athena Diagnostics Criteria. Collection method: clinical testing. Allele origin: unknown.
Comment: Available data are insufficient to determine the clinical significance of the variant at this time. This variant has not been reported in large, multi-ethnic general populations. Computational tools yielded predictions that this variant may result in the gain of a cryptic splice site without affecting the natural splice sites.

NM_001961.4(EEF2):c.318C>A (p.Pro106=)

Gene: EEF2 (eukaryotic translation elongation factor 2; minus strand). Cytogenetic location: 19p13.3.
Variant type: single nucleotide variant.
Coding change: c.318C>A on transcript NM_001961.4 (MANE Select); coding-DNA position 318, C replaced by A.
Protein change: p.Pro106=; no amino-acid change (proline 106 retained).
Molecular consequence: synonymous variant.
Genome position (GRCh38, 1-based): chr19:3,983,192, G>T on the plus strand (C>A on the coding strand, the complement: EEF2 is on the minus strand). VCF-style: chr19-3983192-G-T. GRCh37 (hg19) VCF-style: chr19-3983190-G-T.
Identifiers: ClinVar variation 2684183 (VCV002684183.1), dbSNP rs548237711, ClinGen allele CA504987575.